The following is an entry in ClinVar:

ClinVar aggregate classification (germline): Uncertain significance (1 of 4 stars; one submission).

Conditions:
Pallister-Hall syndrome (PHS). Also called: HYPOTHALAMIC HAMARTOBLASTOMA, HYPOPITUITARISM, IMPERFORATE ANUS, AND POSTAXIAL POLYDACTYLY; GLI3-Related Pallister-Hall Syndrome. Identifiers: Orphanet 672, MedGen C0265220, MONDO:0007804, OMIM 146510.
Greig cephalopolysyndactyly syndrome (GCPS). Also called: POLYSYNDACTYLY WITH PECULIAR SKULL SHAPE; Greig syndrome; GLI3-Related Greig Cephalopolysyndactyly Syndrome. Identifiers: Orphanet 380, MedGen C0265306, MONDO:0008287, OMIM 175700.

Allele frequency attached by ClinVar (database versions not stated): gnomAD exomes below 0.00001; ExAC 0.00001; TOPMed 0.00001; gnomAD 0.00004; 1000 Genomes Project 30x 0.00016; 1000 Genomes Project 0.00020.

Submission:

Labcorp Genetics (formerly Invitae), Labcorp
Classification: Uncertain significance for Pallister-Hall syndrome; Greig cephalopolysyndactyly syndrome. Last evaluated: 2025-06-12. Review status: criteria provided, single submitter. Criteria: Invitae Variant Classification Sherloc (09022015). Collection method: clinical testing. Allele origin: germline.
Comment: This sequence change replaces histidine, which is basic and polar, with glutamine, which is neutral and polar, at codon 376 of the GLI3 protein (p.His376Gln). This variant is present in population databases (rs200017214, gnomAD 0.007%). This variant has not been reported in the literature in individuals affected with GLI3-related conditions. ClinVar contains an entry for this variant (Variation ID: 2196752). Invitae Evidence Modeling of protein sequence and biophysical properties (such as structural, functional, and spatial information, amino acid conservation, physicochemical variation, residue mobility, and thermodynamic stability) indicates that this missense variant is not expected to disrupt GLI3 protein function with a negative predictive value of 95%. In summary, the available evidence is currently insufficient to determine the role of this variant in disease. Therefore, it has been classified as a Variant of Uncertain Significance.

NM_000168.6(GLI3):c.1128C>G (p.His376Gln)

Gene: GLI3 (GLI family zinc finger 3; minus strand). Cytogenetic location: 7p14.1.
Variant type: single nucleotide variant.
Coding change: c.1128C>G on transcript NM_000168.6 (MANE Select); coding-DNA position 1128, C replaced by G.
Protein change: p.His376Gln; replaces histidine 376 with glutamine.
Molecular consequence: missense variant.
Genome position (GRCh38, 1-based): chr7:42,026,313, G>C on the plus strand (C>G on the coding strand, the complement: GLI3 is on the minus strand). VCF-style: chr7-42026313-G-C. GRCh37 (hg19) VCF-style: chr7-42065912-G-C.
Other names: short protein forms H376Q.
Identifiers: ClinVar variation 2196752 (VCV002196752.4), dbSNP rs200017214, ClinGen allele CA4230942.